The following is an entry in ClinVar:

ClinVar aggregate classification (germline): Uncertain significance. Review status: criteria provided, single submitter (1 of 4 stars). 2 submissions from 2 submitters: Uncertain significance (1). 1 of the submissions does not count toward it. Last evaluated 2022-07-12.

Conditions:
Bardet-Biedl syndrome (BBS). Identifiers: Orphanet 110, MedGen C0752166, MONDO:0015229.
Bardet-Biedl syndrome 1 (BBS1). Identifiers: MedGen C2936862, MONDO:0008854, OMIM 209900. Disease mechanism: loss of function.

Allele frequency attached by ClinVar (database versions not stated): gnomAD 0.00001; TOPMed 0.00001.

Submissions (2):

Labcorp Genetics (formerly Invitae), Labcorp
Classification: Uncertain significance for Bardet-Biedl syndrome. Last evaluated: 2022-07-12. Review status: criteria provided, single submitter. Criteria: Invitae Variant Classification Sherloc (09022015). Collection method: clinical testing. Allele origin: germline.
Comment: This sequence change replaces methionine, which is neutral and non-polar, with valine, which is neutral and non-polar, at codon 94 of the BBS1 protein (p.Met94Val). This variant is present in population databases (no rsID available, gnomAD 0.007%). This variant has not been reported in the literature in individuals affected with BBS1-related conditions. ClinVar contains an entry for this variant (Variation ID: 1017128). Algorithms developed to predict the effect of missense changes on protein structure and function output the following: SIFT: "Tolerated"; PolyPhen-2: "Benign"; Align-GVGD: "Class C0". The valine amino acid residue is found in multiple mammalian species, which suggests that this missense change does not adversely affect protein function. In summary, the available evidence is currently insufficient to determine the role of this variant in disease. Therefore, it has been classified as a Variant of Uncertain Significance.

Natera, Inc.
Classification: Uncertain significance for Bardet-Biedl syndrome type 1. Last evaluated: 2020-10-08. Review status: no assertion criteria provided. Collection method: clinical testing. Allele origin: germline. Not counted in ClinVar's aggregate classification.

NM_024649.5(BBS1):c.280A>G (p.Met94Val)

Gene: BBS1 (Bardet-Biedl syndrome 1; plus strand). Cytogenetic location: 11q13.2.
Variant type: single nucleotide variant.
Coding change: c.280A>G on transcript NM_024649.5 (MANE Select); coding-DNA position 280, A replaced by G.
Protein change: p.Met94Val; replaces methionine 94 with valine.
Molecular consequence: missense variant.
Genome position (GRCh38, 1-based): chr11:66,514,526, A>G. VCF-style: chr11-66514526-A-G. GRCh37 (hg19) VCF-style: chr11-66281997-A-G.
Other names: short protein forms M94V.
Identifiers: ClinVar variation 1017128 (VCV001017128.3), dbSNP rs1376711744, ClinGen allele CA381456415.